The following is an entry in ClinVar:

ClinVar aggregate classification (germline): Likely pathogenic (1 of 4 stars; one submission).

Conditions:
Autosomal recessive limb-girdle muscular dystrophy type 2J (LGMDR10). Also called: Limb-girdle muscular dystrophy, type 2J; MUSCULAR DYSTROPHY, LIMB-GIRDLE, AUTOSOMAL RECESSIVE 10. Identifiers: Orphanet 140922, MedGen C1837342, MONDO:0012127, OMIM 608807.
Dilated cardiomyopathy 1G (CMD1G). Identifiers: Orphanet 154, MedGen C1858763, MONDO:0011400, OMIM 604145.

Submission:

Labcorp Genetics (formerly Invitae), Labcorp
Classification: Likely pathogenic for Dilated cardiomyopathy 1G; Autosomal recessive limb-girdle muscular dystrophy type 2J. Last evaluated: 2025-06-07. Review status: criteria provided, single submitter. Criteria: Invitae Variant Classification Sherloc (09022015). Collection method: clinical testing. Allele origin: germline.
Comment: This sequence change creates a premature translational stop signal (p.Val29002Phefs*4) in the TTN gene. While this is not anticipated to result in nonsense mediated decay, it is expected to create a truncated TTN protein. This variant is not present in population databases (gnomAD no frequency). This variant has not been reported in the literature in individuals affected with TTN-related conditions. This variant is located in the A band of TTN (PMID: 25589632). Truncating variants in this region are significantly overrepresented in patients affected with dilated cardiomyopathy (PMID: 25589632). Truncating variants in this region have also been reported in individuals affected with autosomal recessive centronuclear myopathy (PMID: 23975875). In summary, the currently available evidence indicates that the variant is pathogenic, but additional data are needed to prove that conclusively. Therefore, this variant has been classified as Likely Pathogenic.

Literature cited by the submitters: PubMed 25589632; PubMed 23975875.

NM_001267550.2(TTN):c.87003del (p.Val29002fs)

Genes: TTN (titin; minus strand), TTN-AS1 (TTN antisense RNA 1; plus strand). Cytogenetic location: 2q31.2.
Variant type: Deletion.
Coding change: c.87003del on transcript NM_001267550.2 (MANE Select); coding-DNA position 87003, one base deleted (T; older notation c.87003delT).
Protein change: p.Val29002fs; shifts the reading frame from valine 29002.
Molecular consequence: frameshift variant.
Genome position (GRCh38, 1-based): chr2:178,558,456, A deleted on the plus strand (T on the coding strand, the reverse complement: TTN is on the minus strand); the first of 2 consecutive A bases (chr2:178,558,456-178,558,457); deleting either gives the same sequence. VCF-style (leftmost placement, unchanged base first): chr2-178558455-CA-C. GRCh37 (hg19) VCF-style: chr2-179423182-CA-C.
Other names: c.82080del, p.Val27361fs (NM_001256850.1); c.59808del, p.Val19937fs (NM_003319.4); c.79299del, p.Val26434fs (NM_133378.4); c.60183del, p.Val20062fs (NM_133432.3); c.60384del, p.Val20129fs (NM_133437.4); short protein forms V20062fs, V19937fs, V20129fs, V26434fs, V29002fs, V27361fs.
Identifiers: ClinVar variation 4785208 (VCV004785208.1).
Genomic context (GRCh38, chr2:178,558,455, plus strand): 5'-CAGCTTGATTTTCAGCAAACACTCGGAAAAAGTATTCAGAATTCTCTCTCAGACCGGAAA[CA>C]ACGTGATGGGTTGACTTTGCCACTGCACATTTAACCCAGTTTTTCTGTCCTTTTTCTAGT-3'